The following is an entry in ClinVar:

ClinVar aggregate classification (germline): Likely pathogenic (1 of 4 stars; one submission).

Conditions:
Glycogen storage disease type III (GSD3). Also called: FORBES DISEASE; Cori disease. Identifiers: Orphanet 366, MedGen C0017922, MONDO:0009291, OMIM 232400.

Allele frequency attached by ClinVar (database versions not stated): TOPMed below 0.00001.

Submission:

Labcorp Genetics (formerly Invitae), Labcorp
Classification: Likely pathogenic for Glycogen storage disease type III. Last evaluated: 2023-12-05. Review status: criteria provided, single submitter. Criteria: Invitae Variant Classification Sherloc (09022015). Collection method: clinical testing. Allele origin: germline.
Comment: This sequence change affects a donor splice site in intron 17 of the AGL gene. It is expected to disrupt RNA splicing. Variants that disrupt the donor or acceptor splice site typically lead to a loss of protein function (PMID: 16199547), and loss-of-function variants in AGL are known to be pathogenic (PMID: 19299494). This variant is not present in population databases (gnomAD no frequency). This variant has not been reported in the literature in individuals affected with AGL-related conditions. Algorithms developed to predict the effect of sequence changes on RNA splicing suggest that this variant may disrupt the consensus splice site. In summary, the currently available evidence indicates that the variant is pathogenic, but additional data are needed to prove that conclusively. Therefore, this variant has been classified as Likely Pathogenic.

Literature cited by the submitters: PubMed 16199547; PubMed 19299494.

NM_000642.3(AGL):c.2308+2T>A

Gene: AGL (amylo-alpha-1,6-glucosidase and 4-alpha-glucanotransferase; plus strand). Cytogenetic location: 1p21.2.
Variant type: single nucleotide variant.
Coding change: c.2308+2T>A on transcript NM_000642.3 (MANE Select); the canonical splice donor site of the intron after coding-DNA position 2308, T replaced by A.
Molecular consequence: splice donor variant.
Genome position (GRCh38, 1-based): chr1:99,881,693, T>A. VCF-style: chr1-99881693-T-A. GRCh37 (hg19) VCF-style: chr1-100347249-T-A.
Other names: c.2308+2T>A (NM_000643.3, NM_000644.3, NM_001425326.1 and 2 more transcripts); c.2260+2T>A (NM_000646.3); c.2107+2T>A (NM_001425327.1); c.2104+2T>A (NM_001425328.1, NM_001425329.1); c.1930+2T>A (NM_001425332.1).
Identifiers: ClinVar variation 3001398 (VCV003001398.3), dbSNP rs1652044207, ClinGen allele CA341320074.